The following is an entry in ClinVar:

ClinVar aggregate classification (germline): Uncertain significance (1 of 4 stars; one submission).

Conditions:
Developmental and epileptic encephalopathy, 34 (DEE34). Also called: SLC12A5-Related Epilepsy of Infancy with Migrating Focal Seizures; Early infantile epileptic encephalopathy 34. Identifiers: Orphanet 293181, MedGen C4225257, MONDO:0014718, OMIM 616645.

gnomAD v4.1: 8 of 1,614,044 alleles (0.0005%); highest among the groups gnomAD compares: Non-Finnish European, 0.00068%; no homozygotes.

Submission:

Labcorp Genetics (formerly Invitae), Labcorp
Classification: Uncertain significance for Developmental and epileptic encephalopathy, 34. Last evaluated: 2025-01-06. Review status: criteria provided, single submitter. Criteria: Invitae Variant Classification Sherloc (09022015). Collection method: clinical testing. Allele origin: germline.
Comment: This sequence change replaces lysine, which is basic and polar, with asparagine, which is neutral and polar, at codon 36 of the SLC12A5 protein (p.Lys36Asn). This variant is present in population databases (no rsID available, gnomAD 0.002%). This variant has not been reported in the literature in individuals affected with SLC12A5-related conditions. ClinVar contains an entry for this variant (Variation ID: 1010694). Invitae Evidence Modeling of protein sequence and biophysical properties (such as structural, functional, and spatial information, amino acid conservation, physicochemical variation, residue mobility, and thermodynamic stability) indicates that this missense variant is not expected to disrupt SLC12A5 protein function with a negative predictive value of 80%. In summary, the available evidence is currently insufficient to determine the role of this variant in disease. Therefore, it has been classified as a Variant of Uncertain Significance.

NM_020708.5(SLC12A5):c.108G>C (p.Lys36Asn)

Gene: SLC12A5 (solute carrier family 12 member 5; plus strand). Cytogenetic location: 20q13.12.
Variant type: single nucleotide variant.
Coding change: c.108G>C on transcript NM_020708.5 (MANE Select); coding-DNA position 108, G replaced by C.
Protein change: p.Lys36Asn; replaces lysine 36 with asparagine.
Molecular consequence: missense variant.
Genome position (GRCh38, 1-based): chr20:46,035,003, G>C. VCF-style: chr20-46035003-G-C. GRCh37 (hg19) VCF-style: chr20-44663642-G-C.
Other names: c.177G>C, p.Lys59Asn (NM_001134771.2); short protein forms K36N, K59N.
Identifiers: ClinVar variation 1010694 (VCV001010694.8), dbSNP rs970629633, ClinGen allele CA315631271.